The following is an entry in ClinVar:

NM_057176.3(BSND):c.225A>G (p.Pro75=)

Gene: BSND (barttin CLCNK type accessory subunit beta; plus strand). Cytogenetic location: 1p32.3.
Variant type: single nucleotide variant.
Coding change: c.225A>G on transcript NM_057176.3 (MANE Select); coding-DNA position 225, A replaced by G.
Protein change: p.Pro75=; no amino-acid change (proline 75 retained).
Molecular consequence: synonymous variant.
Genome position (GRCh38, 1-based): chr1:55,005,069, A>G. VCF-style: chr1-55005069-A-G. GRCh37 (hg19) VCF-style: chr1-55470742-A-G.
Identifiers: ClinVar variation 667072 (VCV000667072.16), dbSNP rs755110588, ClinGen allele CA871261.
Genomic context (GRCh38, chr1:55,005,069, plus strand): 5'-CCTTTGCTTGCAGATCACCTTCGTCCCTGCTGACTCTGACTTTCAAGGCATCCTCTCCCC[A>G]AAGGCCATGGGCCTGCTGGAGAATGGGCTTGCTGCCGAGATGAAGAGGTAGGTGCCAGGC-3'
Protein context (NP_476517.1, residues 65-85): ADSDFQGILS[Pro75=]KAMGLLENGL

ClinVar aggregate classification (germline): Likely benign. Review status: criteria provided, multiple submitters, no conflicts (2 of 4 stars). 5 submissions from 5 submitters: Likely benign (4). 1 of the submissions does not count toward it. Last evaluated 2026-01-06.

Conditions:
Bartter syndrome. Identifiers: Orphanet 112, MedGen C0004775, MONDO:0015231.
Bartter disease type 4A. Also called: BARTTER SYNDROME, TYPE 4A, NEONATAL, WITH SENSORINEURAL DEAFNESS; BARTTER SYNDROME, NEONATAL, WITH SENSORINEURAL DEAFNESS. Identifiers: Orphanet 112, MedGen C1865270, MONDO:0011242, OMIM 602522.

Allele frequency attached by ClinVar (database versions not stated): gnomAD exomes 0.00002 and 0.00007; TOPMed 0.00002; ExAC 0.00008.
gnomAD v4.1: 32 of 1,614,156 alleles (0.002%); highest among the groups gnomAD compares: East Asian, 0.045%; no homozygotes.

Submissions (5):

Labcorp Genetics (formerly Invitae), Labcorp
Classification: Likely benign. Last evaluated: 2026-01-06. Review status: criteria provided, single submitter. Criteria: Invitae Variant Classification Sherloc (09022015). Collection method: clinical testing. Allele origin: germline.

Blueprint Genetics
Classification: Likely benign. Last evaluated: 2022-07-27. Review status: criteria provided, single submitter. Criteria: ACMG Guidelines, 2015. Collection method: clinical testing. Allele origin: germline.

Fulgent Genetics
Classification: Likely benign for Bartter disease type 4A. Last evaluated: 2021-07-21. Review status: criteria provided, single submitter. Criteria: ACMG Guidelines, 2015. Collection method: clinical testing. Allele origin: unknown.

Laboratory for Molecular Medicine, Mass General Brigham Personalized Medicine
Classification: Likely benign. Last evaluated: 2018-09-06. Review status: criteria provided, single submitter. Criteria: LMM Criteria. Collection method: clinical testing. Allele origin: germline. Observed: 1 variant allele.
Comment: The p.Pro75Pro variant is classified as likely benign because it does not alter an amino acid residue, is not located within the splice consensus sequence, and splice prediction algorithms do not predict a newly created splice site. Further more, it has been identified in 0.098% (17/17248) of East Asian chromosomes by t he Genome Aggregation Database (gnomAD). ACMG/ AMP Criteria applied: BP4, BP7,BS1_Supporting.

Natera, Inc.
Classification: Uncertain significance for Bartter syndrome. Last evaluated: 2020-01-24. Review status: no assertion criteria provided. Collection method: clinical testing. Allele origin: germline. Not counted in ClinVar's aggregate classification.